The following is an entry in ClinVar:

ClinVar aggregate classification (germline): Pathogenic (1 of 4 stars; one submission).

Submission:

Labcorp Genetics (formerly Invitae), Labcorp
Classification: Pathogenic. Last evaluated: 2024-05-22. Review status: criteria provided, single submitter. Criteria: Invitae Variant Classification Sherloc (09022015). Collection method: clinical testing. Allele origin: germline.
Comment: This sequence change creates a premature translational stop signal (p.Phe163Profs*2) in the IMPG1 gene. It is expected to result in an absent or disrupted protein product. Loss-of-function variants in IMPG1 are known to be pathogenic (PMID: 23993198). This variant is not present in population databases (gnomAD no frequency). This variant has not been reported in the literature in individuals affected with IMPG1-related conditions. ClinVar contains an entry for this variant (Variation ID: 963858). For these reasons, this variant has been classified as Pathogenic.

Literature cited by the submitters: PubMed 23993198.

NM_001563.4(IMPG1):c.487_488del (p.Phe163fs)

Gene: IMPG1 (interphotoreceptor matrix proteoglycan 1; minus strand). Cytogenetic location: 6q14.1.
Variant type: Deletion.
Coding change: c.487_488del on transcript NM_001563.4 (MANE Select); coding-DNA positions 487 to 488, 2 bases deleted (TT; older notation c.487_488delTT).
Protein change: p.Phe163fs; shifts the reading frame from phenylalanine 163.
Molecular consequence: frameshift variant.
Genome position (GRCh38, 1-based): chr6:76,034,324-76,034,325, AA deleted on the plus strand (TT on the coding strand, the reverse complement: IMPG1 is on the minus strand); deleting any 2 consecutive bases within chr6:76,034,324-76,034,326 gives the same sequence; the c. name uses the placement nearest the transcript's 3' end. VCF-style (leftmost placement, unchanged base first): chr6-76034323-GAA-G. GRCh37 (hg19) VCF-style: chr6-76744040-GAA-G.
Other names: c.253_254del, p.Phe85fs (NM_001282368.2); short protein forms F85fs, F163fs.
Identifiers: ClinVar variation 963858 (VCV000963858.7), dbSNP rs1783698601, ClinGen allele CA1090691990.